The following is an entry in ClinVar:

NM_015268.4(DNAJC13):c.4595T>G (p.Phe1532Cys)

Gene: DNAJC13 (DnaJ heat shock protein family (Hsp40) member C13; plus strand). Cytogenetic location: 3q22.1.
Variant type: single nucleotide variant.
Coding change: c.4595T>G on transcript NM_015268.4 (MANE Select); coding-DNA position 4595, T replaced by G.
Protein change: p.Phe1532Cys; replaces phenylalanine 1532 with cysteine.
Molecular consequence: missense variant.
Genome position (GRCh38, 1-based): chr3:132,502,347, T>G. VCF-style: chr3-132502347-T-G. GRCh37 (hg19) VCF-style: chr3-132221191-T-G.
Other names: p.Phe1532Cys; c.4610T>G, p.Phe1537Cys (NM_001329126.2); short protein forms F1532C, F1537C.
Identifiers: ClinVar variation 4540924 (VCV004540924.1).
Genomic context (GRCh38, chr3:132,502,347, plus strand): 5'-AGAGTATTCCCCGCGTAGCTGCTCTTGGGGTAGAATGTGTCAGTTCTTTTGCTGTGGATT[T>G]CTGGCTACAGACACACCTATTTCAGGCTGGAATTTTGTGGTATCTCCTTGGTTTTCTGTT-3'
Protein context (NP_056083.3, residues 1522-1542): VECVSSFAVD[Phe1532Cys]WLQTHLFQAG

ClinVar aggregate classification (germline): Uncertain significance (1 of 4 stars; one submission).

Submission:

Mayo Clinic Laboratories, Mayo Clinic
Classification: Uncertain significance. Last evaluated: 2024-11-20. Review status: criteria provided, single submitter. Criteria: ACMG Guidelines, 2015. Collection method: clinical testing. Allele origin: germline. Observed: 1 variant allele.
Comment: BP4